The following is an entry in ClinVar:

NM_001134407.3(GRIN2A):c.4146C>T (p.Cys1382=)

Gene: GRIN2A (glutamate ionotropic receptor NMDA type subunit 2A; minus strand). Cytogenetic location: 16p13.2.
Variant type: single nucleotide variant.
Coding change: c.4146C>T on transcript NM_001134407.3 (MANE Select); coding-DNA position 4146, C replaced by T.
Protein change: p.Cys1382=; no amino-acid change (cysteine 1382 retained).
Molecular consequence: synonymous variant. On other transcripts: missense variant (1).
Genome position (GRCh38, 1-based): chr16:9,763,398, G>A on the plus strand (C>T on the coding strand, the complement: GRIN2A is on the minus strand). VCF-style: chr16-9763398-G-A. GRCh37 (hg19) VCF-style: chr16-9857255-G-A.
Other names: c.4146C>T, p.Cys1382= (NM_000833.5); c.3803C>T, p.Ala1268Val (NM_001134408.2); short protein forms A1268V.
Identifiers: ClinVar variation 4872301 (VCV004872301.2).

ClinVar aggregate classification (germline): Uncertain significance (1 of 4 stars; one submission).

gnomAD v4.1: 3 of 1,614,108 alleles (0.00019%); highest among the groups gnomAD compares: Non-Finnish European, 0.00025%; no homozygotes.

Submission:

CeGaT Center for Human Genetics Tuebingen
Classification: Uncertain significance. Last evaluated: 2026-04-01. Review status: criteria provided, single submitter. Criteria: CeGaT Center For Human Genetics Tuebingen Variant Classification Criteria Version 2. Collection method: clinical testing. Allele origin: germline. Affected: yes. Observed: 1 variant allele.
Comment: GRIN2A: PM2, BP4